The following is an entry in ClinVar:

ClinVar aggregate classification (germline): Pathogenic. Review status: criteria provided, single submitter (1 of 4 stars). 3 submissions from 3 submitters: Pathogenic (1). 2 of the submissions do not count toward it. Last evaluated 2022-12-18.

Conditions:
Autosomal recessive nonsyndromic hearing loss 7. Also called: DEAFNESS, AUTOSOMAL RECESSIVE 11. Identifiers: Orphanet 90636, MedGen C1832978, MONDO:0010967, OMIM 600974.
Hearing loss, autosomal recessive. Also called: Autosomal recessive nonsyndromic deafness; Deafness, autosomal recessive; Rare autosomal recessive non-syndromic sensorineural deafness type DFNB; Nonsyndromic Hearing Loss, Recessive. Identifiers: Orphanet 90635, Orphanet 90636, MedGen C1846647, MONDO:0019588, OMIM 607197.

Submissions (3):

Labcorp Genetics (formerly Invitae), Labcorp
Classification: Pathogenic. Last evaluated: 2022-12-18. Review status: criteria provided, single submitter. Criteria: Invitae Variant Classification Sherloc (09022015). Collection method: clinical testing. Allele origin: germline.
Comment: This premature translational stop signal has been observed in individual(s) with autosomal recessive hearing loss (PMID: 30303587). This variant is not present in population databases (gnomAD no frequency). This sequence change creates a premature translational stop signal (p.Tyr381*) in the TMC1 gene. It is expected to result in an absent or disrupted protein product. Loss-of-function variants in TMC1 are known to be pathogenic (PMID: 11850618, 22105175). ClinVar contains an entry for this variant (Variation ID: 562098). For these reasons, this variant has been classified as Pathogenic. Algorithms developed to predict the effect of sequence changes on RNA splicing suggest that this variant may disrupt the consensus splice site.

National Institute on Deafness and Communication Disorders, National Institutes of Health
Classification: Pathogenic for Autosomal recessive nonsyndromic hearing loss 7. Last evaluated: 2018-07-05. Review status: no assertion criteria provided. Collection method: research. Allele origin: germline. Affected: yes. Observed: 1 homozygote. Segregation with disease observed. Not counted in ClinVar's aggregate classification.

University of Washington Center for Mendelian Genomics, University of Washington
Classification: Likely pathogenic for non-syndromic autosomal recessive hearing loss. Review status: no assertion criteria provided. Collection method: research. Allele origin: inherited. Affected: yes. Not counted in ClinVar's aggregate classification.

Literature cited by the submitters: PubMed 30303587 (cited by Labcorp Genetics (formerly Invitae), Labcorp and University of Washington Center for Mendelian Genomics, University of Washington); PubMed 11850618 (cited by Labcorp Genetics (formerly Invitae), Labcorp); PubMed 22105175 (cited by Labcorp Genetics (formerly Invitae), Labcorp).

NM_138691.3(TMC1):c.1143C>G (p.Tyr381Ter)

Gene: TMC1 (transmembrane channel like 1; plus strand). Cytogenetic location: 9q21.13.
Variant type: single nucleotide variant.
Coding change: c.1143C>G on transcript NM_138691.3 (MANE Select); coding-DNA position 1143, C replaced by G.
Protein change: p.Tyr381Ter; replaces tyrosine 381 with a stop codon.
Molecular consequence: nonsense.
Genome position (GRCh38, 1-based): chr9:72,789,236, C>G. VCF-style: chr9-72789236-C-G. GRCh37 (hg19) VCF-style: chr9-75404152-C-G.
Other names: short protein forms Y381*.
Identifiers: ClinVar variation 562098 (VCV000562098.5), dbSNP rs757327146, ClinGen allele CA373504945.
Genomic context (GRCh38, chr9:72,789,236, plus strand): 5'-CAGATTCCTGAGGTTTCTGGCTAACTTCTTCGTGTTTCTAACACTTGGAGGGAGTGGATA[C>G]CTCATCTTTTGGGCTGTGAAGCGATCCCAGGAATTTGCACAGCAAGATCCTGACACCCTT-3'